The following is an entry in ClinVar:

ClinVar aggregate classification (germline): Conflicting classifications of pathogenicity. Review status: criteria provided, conflicting classifications (1 of 4 stars). 4 submissions from 4 submitters: Uncertain significance (3); Benign (1). Last evaluated 2025-12-20.

Conditions:
Glycogen storage disease, type VI (GSD6). Also called: Glycogen storage disease type 6; Hepatic glycogen phosphorylase deficiency; Glycogen storage disease type 6, due to phosphorylation; GSD VI; HERS DISEASE; PHOSPHORYLASE DEFICIENCY GLYCOGEN-STORAGE DISEASE OF LIVER. Identifiers: Orphanet 369, MedGen C0017925, MONDO:0009294, OMIM 232700.
Inborn genetic diseases. Identifiers: MedGen C0950123, MeSH D030342.

Allele frequency attached by ClinVar (database versions not stated): gnomAD 0.00020; TOPMed 0.00022; ESP Exome Variant Server 0.00023; ExAC 0.00035.
gnomAD v4.1: 312 of 1,613,998 alleles (0.019%); highest among the groups gnomAD compares: East Asian, 0.02%; no homozygotes.

Submissions (4):

Labcorp Genetics (formerly Invitae), Labcorp
Classification: Benign for Glycogen storage disease, type VI. Last evaluated: 2025-12-20. Review status: criteria provided, single submitter. Criteria: Invitae Variant Classification Sherloc (09022015). Collection method: clinical testing. Allele origin: germline.

Mayo Clinic Laboratories, Mayo Clinic
Classification: Uncertain significance. Last evaluated: 2025-11-07. Review status: criteria provided, single submitter. Criteria: ACMG Guidelines, 2015. Collection method: clinical testing. Allele origin: germline. Observed: 1 variant allele.
Comment: BS1, PP3

Ambry Genetics
Classification: Uncertain significance for Inborn genetic diseases. Last evaluated: 2022-04-22. Review status: criteria provided, single submitter. Criteria: Ambry Variant Classification Scheme 2023. Collection method: clinical testing. Allele origin: germline.

Illumina Laboratory Services, Illumina
Classification: Uncertain significance for Glycogen storage disease, type VI. Last evaluated: 2018-01-13. Review status: criteria provided, single submitter. Criteria: ICSL Variant Classification Criteria 13 December 2019. Collection method: clinical testing. Allele origin: germline.

NM_002863.5(PYGL):c.691G>A (p.Val231Met)

Gene: PYGL (glycogen phosphorylase L; minus strand). Cytogenetic location: 14q22.1.
Variant type: single nucleotide variant.
Coding change: c.691G>A on transcript NM_002863.5 (MANE Select); coding-DNA position 691, G replaced by A.
Protein change: p.Val231Met; replaces valine 231 with methionine.
Molecular consequence: missense variant.
Genome position (GRCh38, 1-based): chr14:50,921,037, C>T on the plus strand (G>A on the coding strand, the complement: PYGL is on the minus strand). VCF-style: chr14-50921037-C-T. GRCh37 (hg19) VCF-style: chr14-51387755-C-T.
Other names: p.Val231Met; c.589G>A, p.Val197Met (NM_001163940.2); short protein forms V231M, V197M.
Identifiers: ClinVar variation 313330 (VCV000313330.16), dbSNP rs148378112, ClinGen allele CA7183708.